The following is an entry in ClinVar:

ClinVar aggregate classification (germline): Uncertain significance (1 of 4 stars; one submission).

Allele frequency attached by ClinVar (database versions not stated): gnomAD exomes below 0.00001; ExAC 0.00001; gnomAD 0.00003.

Submission:

Labcorp Genetics (formerly Invitae), Labcorp
Classification: Uncertain significance. Last evaluated: 2022-08-16. Review status: criteria provided, single submitter. Criteria: Invitae Variant Classification Sherloc (09022015). Collection method: clinical testing. Allele origin: germline.
Comment: In summary, the available evidence is currently insufficient to determine the role of this variant in disease. Therefore, it has been classified as a Variant of Uncertain Significance. Variants that disrupt the consensus splice site are a relatively common cause of aberrant splicing (PMID: 17576681, 9536098). Algorithms developed to predict the effect of sequence changes on RNA splicing suggest that this variant is not likely to affect RNA splicing. ClinVar contains an entry for this variant (Variation ID: 1504760). This variant has not been reported in the literature in individuals affected with LRRK1-related conditions. The frequency data for this variant in the population databases is considered unreliable, as metrics indicate poor data quality at this position in the gnomAD database. This sequence change falls in intron 29 of the LRRK1 gene. It does not directly change the encoded amino acid sequence of the LRRK1 protein. It affects a nucleotide within the consensus splice site.

Literature cited by the submitters: PubMed 17576681; PubMed 9536098.

NM_024652.6(LRRK1):c.4680-3_4680-2insTTAT

Genes: LRRK1 (leucine rich repeat kinase 1; plus strand), LRRK1-AS1 (LRRK1 antisense RNA 1; minus strand). Cytogenetic location: 15q26.3.
Variant type: Insertion.
Coding change: c.4680-3_4680-2insTTAT on transcript NM_024652.6 (MANE Select); 3 bases into the intron before coding-DNA position 4680 through the canonical splice acceptor site of the intron before coding-DNA position 4680, TTAT inserted.
Molecular consequence: splice acceptor variant.
Genome position: GRCh38 VCF-style: chr15-101061168-C-CTTAT. GRCh37 (hg19) VCF-style: chr15-101601373-C-CTTAT.
Identifiers: ClinVar variation 1504760 (VCV001504760.6), dbSNP rs57811973, ClinGen allele CA7761935.